The following is an entry in ClinVar:

ClinVar aggregate classification (germline): Likely pathogenic. Review status: criteria provided, multiple submitters, no conflicts (2 of 4 stars). 2 submissions from 2 submitters: Likely pathogenic (2). Last evaluated 2024-06-07.

Conditions:
Mucopolysaccharidosis, MPS-II (MPS2). Also called: Mucopolysaccharidosis type 2; IDS deficiency; Sulfoiduronate sulfatase deficiency; SIDS deficiency; Attenuated MPS (subtype; formerly known as mild MPS II); Severe MPS II. Identifiers: Orphanet 580, Orphanet 79388, MedGen C0026705, MONDO:0010674, OMIM 309900.

Submissions (2):

Laboratory of Diagnosis and Therapy of Lysosomal Disorders, University of Padova
Classification: Likely pathogenic for Mucopolysaccharidosis, MPS-II. Last evaluated: 2024-06-07. Review status: criteria provided, single submitter. Criteria: ACMG Guidelines, 2015. Collection method: literature only. Allele origin: germline. Affected: yes. Observed: 2 variant alleles.
Comment: Null variant (PVS1_Strong), Absent from controls (or at low frequency) in gnomAD database (PM2_Moderate), Patient’s phenotype or family history highly specific for the disease (PP4_Moderate)

Classification method: ACMG Guidelines [PMID:25741868] with modifications

Women's Health and Genetics/Laboratory Corporation of America, LabCorp
Classification: Likely pathogenic for Mucopolysaccharidosis, MPS-II. Last evaluated: 2022-10-14. Review status: criteria provided, single submitter. Criteria: LabCorp Variant Classification Summary - May 2015. Collection method: clinical testing. Allele origin: germline.
Comment: Variant summary: IDS c.1269delC (p.Val424PhefsX16) results in a premature termination codon, predicted to cause a truncation of the encoded protein or absence of the protein due to nonsense mediated decay, which are commonly known mechanisms for disease. Truncations downstream of this position have been classified as pathogenic by our laboratory. The variant was absent in 182226 control chromosomes. c.1269delC has been reported in the literature in at least one individual affected with Mucopolysaccharidosis Type II (Hunter Syndrome). To our knowledge, no experimental evidence demonstrating an impact on protein function has been reported. No clinical diagnostic laboratories have submitted clinical-significance assessments for this variant to ClinVar after 2014. Based on the evidence outlined above, the variant was classified as likely pathogenic.

Literature cited by the submitters: PubMed 16133661 (cited by Laboratory of Diagnosis and Therapy of Lysosomal Disorders, University of Padova and Women's Health and Genetics/Laboratory Corporation of America, LabCorp); PubMed 27246110 (cited by Laboratory of Diagnosis and Therapy of Lysosomal Disorders, University of Padova).

NM_000202.8(IDS):c.1269del (p.Val424fs)

Gene: IDS (iduronate 2-sulfatase; minus strand). Cytogenetic location: Xq28.
Variant type: Deletion.
Coding change: c.1269del on transcript NM_000202.8 (MANE Select); coding-DNA position 1269, one base deleted (C; older notation c.1269delC).
Protein change: p.Val424fs; shifts the reading frame from valine 424.
Molecular consequence: frameshift variant.
Genome position (GRCh38, 1-based): chrX:149,483,130, G deleted on the plus strand (C on the coding strand, the reverse complement: IDS is on the minus strand); the first of 4 consecutive G bases (chrX:149,483,130-149,483,133); deleting any one gives the same sequence. VCF-style (leftmost placement, unchanged base first): chrX-149483129-CG-C. GRCh37 (hg19) VCF-style: chrX-148564660-CG-C.
Other names: c.999del, p.Val334fs (NM_001166550.4); short protein forms V334fs, V424fs.
Identifiers: ClinVar variation 1723317 (VCV001723317.3), dbSNP rs2123994875, ClinGen allele CA2580101618.